The following is an entry in ClinVar:

ClinVar aggregate classification (germline): Likely benign. Review status: criteria provided, multiple submitters, no conflicts (2 of 4 stars). 2 submissions from 2 submitters: Likely benign (2). Last evaluated 2025-04-07.

Conditions:
DCDC2-related disorder. Also called: DCDC2-related condition.

gnomAD v4.1: 26 of 1,613,364 alleles (0.0016%); highest among the groups gnomAD compares: African/African-American, 0.011%; no homozygotes.

Submissions (2):

PreventionGenetics, part of Exact Sciences
Classification: Likely benign for DCDC2-related condition. Last evaluated: 2025-04-07. Review status: criteria provided, single submitter. Criteria: ACMG Guidelines, 2015. Collection method: clinical testing. Allele origin: germline.
Comment: This variant is classified as likely benign based on ACMG/AMP sequence variant interpretation guidelines (Richards et al. 2015 PMID: 25741868, with internal and published modifications).

Blueprint Genetics
Classification: Likely benign. Last evaluated: 2024-09-10. Review status: criteria provided, single submitter. Criteria: ACMG Guidelines, 2015. Collection method: clinical testing. Allele origin: germline.

NM_016356.5(DCDC2):c.867G>A (p.Thr289=)

Gene: DCDC2 (doublecortin domain containing 2; minus strand). Cytogenetic location: 6p22.3.
Variant type: single nucleotide variant.
Coding change: c.867G>A on transcript NM_016356.5 (MANE Select); coding-DNA position 867, G replaced by A.
Protein change: p.Thr289=; no amino-acid change (threonine 289 retained).
Molecular consequence: synonymous variant.
Genome position (GRCh38, 1-based): chr6:24,278,104, C>T on the plus strand (G>A on the coding strand, the complement: DCDC2 is on the minus strand). VCF-style: chr6-24278104-C-T. GRCh37 (hg19) VCF-style: chr6-24278332-C-T.
Other names: c.867G>A, p.Thr289= (NM_001195610.2); c.867G>A (NM_016356.4).
Identifiers: ClinVar variation 4973895 (VCV004973895.2).